The following is an entry in ClinVar:

NM_000053.4(ATP7B):c.3079G>C (p.Asp1027His)

Gene: ATP7B (ATPase copper transporting beta; minus strand). Cytogenetic location: 13q14.3.
Variant type: single nucleotide variant.
Coding change: c.3079G>C on transcript NM_000053.4 (MANE Select); coding-DNA position 3079, G replaced by C.
Protein change: p.Asp1027His; replaces aspartic acid 1027 with histidine.
Molecular consequence: missense variant.
Genome position (GRCh38, 1-based): chr13:51,944,273, C>G on the plus strand (G>C on the coding strand, the complement: ATP7B is on the minus strand). VCF-style: chr13-51944273-C-G. GRCh37 (hg19) VCF-style: chr13-52518409-C-G.
Other names: c.2458G>C, p.Asp820His (NM_001005918.3); c.2746G>C, p.Asp916His (NM_001243182.2); c.2845G>C, p.Asp949His (NM_001330578.2); c.2827G>C, p.Asp943His (NM_001330579.2); short protein forms D820H, D949H, D916H, D1027H, D943H.
Identifiers: ClinVar variation 660018 (VCV000660018.8), dbSNP rs1593672840, ClinGen allele CA388030658.

ClinVar aggregate classification (germline): Pathogenic. Review status: criteria provided, multiple submitters, no conflicts (2 of 4 stars). 3 submissions from 3 submitters: Pathogenic (3). Last evaluated 2025-12-17.

Conditions:
Wilson disease (WND). Also called: Wilson's disease. Identifiers: Orphanet 905, MedGen C0019202, MONDO:0010200, OMIM 277900. Disease mechanism: loss of function.

Allele frequency attached by ClinVar (database versions not stated): gnomAD exomes below 0.00001.
gnomAD v4.1: 1 of 1,613,972 alleles (0.000062%); highest among the groups gnomAD compares: East Asian, 0.0022%; no homozygotes.

Submissions (3):

Natera, Inc.
Classification: Pathogenic for Wilson disease. Last evaluated: 2025-12-17. Review status: criteria provided, single submitter. Criteria: Natera Variant Classification Schema (03/2026). Collection method: clinical testing. Allele origin: germline.
Comment: The c.3079G>C variant in ATP7B is a missense variant predicted to cause substitution of aspartic acid to histidine at amino acid 1027. This variant is rare in the general population with a frequency below the threshold expected for the associated phenotype(s). This variant has been observed in one or more individuals affected with the associated recessive disease, as either homozygous or compound heterozygous with a second variant (PMID: 35220961, 37020998). Computational prediction algorithms indicate this variant is likely to affect gene or protein function. Given the available evidence, this variant is classified as Pathogenic.

Baylor Genetics
Classification: Pathogenic for Wilson disease. Last evaluated: 2024-02-12. Review status: criteria provided, single submitter. Criteria: ACMG Guidelines, 2015. Collection method: clinical testing. Allele origin: unknown.

Labcorp Genetics (formerly Invitae), Labcorp
Classification: Pathogenic for Wilson disease. Last evaluated: 2022-11-08. Review status: criteria provided, single submitter. Criteria: Invitae Variant Classification Sherloc (09022015). Collection method: clinical testing. Allele origin: germline.
Comment: ClinVar contains an entry for this variant (Variation ID: 660018). This sequence change replaces aspartic acid, which is acidic and polar, with histidine, which is basic and polar, at codon 1027 of the ATP7B protein (p.Asp1027His). This variant is not present in population databases (gnomAD no frequency). This missense change has been observed in individuals with Wilson disease (PMID: 29321352; Invitae; http//). Advanced modeling of protein sequence and biophysical properties (such as structural, functional, and spatial information, amino acid conservation, physicochemical variation, residue mobility, and thermodynamic stability) performed at Invitae indicates that this missense variant is expected to disrupt ATP7B protein function. This variant disrupts the p.Asp1027 amino acid residue in ATP7B. Other variant(s) that disrupt this residue have been observed in individuals with ATP7B-related conditions (PMID: 26799313, 30230192), which suggests that this may be a clinically significant amino acid residue. For these reasons, this variant has been classified as Pathogenic.

Literature cited by the submitters: PubMed 35220961 (cited by Natera, Inc.); PubMed 37020998 (cited by Natera, Inc.); PubMed 29321352 (cited by Labcorp Genetics (formerly Invitae), Labcorp); PubMed 10006441 (cited by Labcorp Genetics (formerly Invitae), Labcorp); PubMed 26799313 (cited by Labcorp Genetics (formerly Invitae), Labcorp); PubMed 30230192 (cited by Labcorp Genetics (formerly Invitae), Labcorp).